The following is an entry in ClinVar:

ClinVar aggregate classification (germline): Uncertain significance (1 of 4 stars; one submission).

Conditions:
Glycogen storage disease type III (GSD3). Also called: FORBES DISEASE; Cori disease. Identifiers: Orphanet 366, MedGen C0017922, MONDO:0009291, OMIM 232400.

Submission:

Labcorp Genetics (formerly Invitae), Labcorp
Classification: Uncertain significance for Glycogen storage disease type III. Last evaluated: 2020-12-12. Review status: criteria provided, single submitter. Criteria: Invitae Variant Classification Sherloc (09022015). Collection method: clinical testing. Allele origin: germline.
Comment: In summary, the available evidence is currently insufficient to determine the role of this variant in disease. Therefore, it has been classified as a Variant of Uncertain Significance. Algorithms developed to predict the effect of missense changes on protein structure and function are either unavailable or do not agree on the potential impact of this missense change (SIFT: "Tolerated"; PolyPhen-2: "Probably Damaging"; Align-GVGD: "Class C0"). This variant has not been reported in the literature in individuals with AGL-related conditions. This variant is not present in population databases (ExAC no frequency). This sequence change replaces phenylalanine with valine at codon 1443 of the AGL protein (p.Phe1443Val). The phenylalanine residue is moderately conserved and there is a small physicochemical difference between phenylalanine and valine.

NM_000642.3(AGL):c.4327T>G (p.Phe1443Val)

Gene: AGL (amylo-alpha-1,6-glucosidase and 4-alpha-glucanotransferase; plus strand). Cytogenetic location: 1p21.2.
Variant type: single nucleotide variant.
Coding change: c.4327T>G on transcript NM_000642.3 (MANE Select); coding-DNA position 4327, T replaced by G.
Protein change: p.Phe1443Val; replaces phenylalanine 1443 with valine.
Molecular consequence: missense variant.
Genome position (GRCh38, 1-based): chr1:99,916,477, T>G. VCF-style: chr1-99916477-T-G. GRCh37 (hg19) VCF-style: chr1-100382033-T-G.
Other names: c.4123T>G, p.Phe1375Val (NM_001425328.1); c.3988T>G, p.Phe1330Val (NM_001425329.1); c.4327T>G, p.Phe1443Val (NM_001425325.1, NM_000644.3, NM_000028.3 and 1 more transcripts); c.4306T>G, p.Phe1436Val (NM_001425326.1); c.4126T>G, p.Phe1376Val (NM_001425327.1); c.3949T>G, p.Phe1317Val (NM_001425332.1); c.4279T>G, p.Phe1427Val (NM_000646.3); short protein forms F1443V, F1427V, F1317V, F1330V, F1375V, F1376V, F1436V.
Identifiers: ClinVar variation 1355930 (VCV001355930.8), dbSNP rs760127227, ClinGen allele CA341342332.